The following is an entry in ClinVar:

NM_003235.5(TG):c.7648G>A (p.Glu2550Lys)

Gene: TG (thyroglobulin; plus strand). Cytogenetic location: 8q24.22.
Variant type: single nucleotide variant.
Coding change: c.7648G>A on transcript NM_003235.5 (MANE Select); coding-DNA position 7648, G replaced by A.
Protein change: p.Glu2550Lys; replaces glutamic acid 2550 with lysine.
Molecular consequence: missense variant.
Genome position (GRCh38, 1-based): chr8:133,113,497, G>A. VCF-style: chr8-133113497-G-A. GRCh37 (hg19) VCF-style: chr8-134125741-G-A.
Other names: short protein forms E2550K.
Identifiers: ClinVar variation 361999 (VCV000361999.12), dbSNP rs199724462, ClinGen allele CA4885730.

ClinVar aggregate classification (germline): Uncertain significance. Review status: criteria provided, multiple submitters, no conflicts (2 of 4 stars). 4 submissions from 4 submitters: Uncertain significance (4). Last evaluated 2026-02-01.

Conditions:
Inborn genetic diseases. Identifiers: MedGen C0950123, MeSH D030342.
Iodotyrosyl coupling defect (TDH3). Also called: HYPOTHYROIDISM, CONGENITAL, DUE TO DYSHORMONOGENESIS, 3; THYROID HORMONOGENESIS, GENETIC DEFECT IN, 3. Identifiers: Orphanet 95716, MedGen C0342194, MONDO:0010135, OMIM 274700.

Allele frequency attached by ClinVar (database versions not stated): ExAC 0.00007; gnomAD 0.00007 and 0.00009; gnomAD exomes 0.00008; TOPMed 0.00009; ESP Exome Variant Server 0.00015.
gnomAD v4.1: 122 of 1,613,832 alleles (0.0076%); highest among the groups gnomAD compares: Non-Finnish European, 0.0096%; no homozygotes.

Submissions (4):

CeGaT Center for Human Genetics Tuebingen
Classification: Uncertain significance. Last evaluated: 2026-02-01. Review status: criteria provided, single submitter. Criteria: CeGaT Center For Human Genetics Tuebingen Variant Classification Criteria Version 2. Collection method: clinical testing. Allele origin: germline. Affected: yes. Observed: 1 variant allele.
Comment: TG: PM2

Blueprint Genetics
Classification: Uncertain significance. Last evaluated: 2024-11-07. Review status: criteria provided, single submitter. Criteria: ACMG Guidelines, 2015. Collection method: clinical testing. Allele origin: germline.

Ambry Genetics
Classification: Uncertain significance for Inborn genetic diseases. Last evaluated: 2021-08-02. Review status: criteria provided, single submitter. Criteria: Ambry Variant Classification Scheme 2023. Collection method: clinical testing. Allele origin: germline.

Illumina Laboratory Services, Illumina
Classification: Uncertain significance for Iodotyrosyl coupling defect. Last evaluated: 2018-01-12. Review status: criteria provided, single submitter. Criteria: ICSL Variant Classification Criteria 13 December 2019. Collection method: clinical testing. Allele origin: germline.